The following is an entry in ClinVar:

ClinVar aggregate classification (germline): Pathogenic/Likely pathogenic. Review status: criteria provided, multiple submitters, no conflicts (2 of 4 stars). 7 submissions from 7 submitters: Pathogenic (6); Likely pathogenic (1). Last evaluated 2023-02-24.

Conditions:
Hereditary spastic paraplegia 30. Identifiers: Orphanet 101010, MedGen C5235139, MONDO:0012476.
Spastic paraplegia 30B, autosomal recessive. Identifiers: MedGen C5935571, MONDO:0971149, OMIM 620607.
Spastic paraplegia 30A, autosomal dominant. Identifiers: MedGen CN380650, MONDO:0700307, OMIM 610357.
Neuropathy, hereditary sensory, type 2C. Also called: KIF1A-Related HSAN2 (HSAN2C); Hereditary sensory and autonomic neuropathy type IIC. Identifiers: Orphanet 970, MedGen C3280168, MONDO:0013634, OMIM 614213.
Intellectual disability, autosomal dominant 9 (NESCAVS). Also called: NESCAV SYNDROME; KIF1A-Related Neurodevelopmental Disorder. Identifiers: Orphanet 662367, MedGen C5393830, MONDO:0013656, OMIM 614255.

Allele frequency attached by ClinVar (database versions not stated): gnomAD exomes below 0.00001.
gnomAD v4.1: 1 of 1,605,632 alleles (0.000062%); highest among the groups gnomAD compares: Non-Finnish European, 0.000085%; no homozygotes.

Submissions (7):

Women's Health and Genetics/Laboratory Corporation of America, LabCorp
Classification: Pathogenic for Hereditary spastic paraplegia 30. Last evaluated: 2023-02-24. Review status: criteria provided, single submitter. Criteria: LabCorp Variant Classification Summary - May 2015. Collection method: clinical testing. Allele origin: germline.
Comment: Variant summary: KIF1A c.304G>A (p.Gly102Ser) results in a non-conservative amino acid change in the encoded protein sequence. Five of five in-silico tools predict a damaging effect of the variant on protein function. The variant was absent in 235410 control chromosomes. c.304G>A has been reported in the literature in individuals affected with Hereditary Spastic Paraplegia 30 or related disorders (de novo or familial cases). These data indicate that the variant is likely to be associated with disease. At least one publication reports experimental evidence evaluating an impact on protein function and showed that p.G102S leads to decrease of neurite tip accumulation (Boyle_2021). Five clinical diagnostic laboratories have submitted clinical-significance assessments for this variant to ClinVar after 2014 without evidence for independent evaluation. All laboratories classified the variant as pathogenic/likely pathogenic. In addition, G102D has been reported to associate with disease. Based on the evidence outlined above, the variant was classified as pathogenic.

GeneDx
Classification: Pathogenic. Last evaluated: 2022-01-06. Review status: criteria provided, single submitter. Criteria: GeneDx Variant Classification Process June 2021. Collection method: clinical testing. Allele origin: germline. Affected: yes.
Comment: In silico analysis supports that this missense variant has a deleterious effect on protein structure/function; Published functional studies demonstrate the variant results in loss of protein expression along neurite lengths (Boyle et al., 2021); This variant is associated with the following publications: (PMID: 28332297, 26410750, 29934652, 31488895, 26125038, 21820098, 21376300, 28970574, 33880452, 34121983, 32935419, 31805580)

Institute for Clinical Genetics, University Hospital TU Dresden, University Hospital TU Dresden
Classification: Pathogenic. Last evaluated: 2021-11-03. Review status: criteria provided, single submitter. Criteria: ACMG Guidelines, 2015. Collection method: clinical testing. Allele origin: germline.

Labcorp Genetics (formerly Invitae), Labcorp
Classification: Pathogenic for Hereditary spastic paraplegia 30; Neuropathy, hereditary sensory, type 2C; Intellectual disability, autosomal dominant 9. Last evaluated: 2021-10-13. Review status: criteria provided, single submitter. Criteria: Invitae Variant Classification Sherloc (09022015). Collection method: clinical testing. Allele origin: germline.
Comment: Algorithms developed to predict the effect of missense changes on protein structure and function (SIFT, PolyPhen-2, Align-GVGD) all suggest that this variant is likely to be disruptive. For these reasons, this variant has been classified as Pathogenic. This sequence change replaces glycine with serine at codon 102 of the KIF1A protein (p.Gly102Ser). The glycine residue is highly conserved and there is a small physicochemical difference between glycine and serine. This variant is not present in population databases (ExAC no frequency). This missense change has been observed in individual(s) with hereditary spastic paraparesis and/or spastic diplegia (PMID: 26410750; Invitae). In at least one individual the variant was observed to be de novo.

Lupski Lab, Baylor-Hopkins CMG, Baylor College of Medicine
Classification: Pathogenic for Spastic paraplegia 30A, autosomal dominant. Last evaluated: 2020-08-24. Review status: criteria provided, single submitter. Criteria: ACMG Guidelines, 2015. Collection method: research. Allele origin: de novo. Inheritance: Autosomal dominant inheritance. Affected: yes. Observed: 1 heterozygote.

SIB Swiss Institute of Bioinformatics
Classification: Likely pathogenic for Spastic paraplegia 30A, autosomal dominant. Last evaluated: 2020-06-15. Review status: criteria provided, single submitter. Criteria: ACMG Guidelines, 2015. Collection method: curation. Allele origin: unknown.
Comment: This variant is interpreted as likely pathogenic for spastic paraplegia 30, autosomal dominant. The following ACMG Tag(s) were applied: Absent from controls (or at extremely low frequency if recessive) in Exome Sequencing Project, 1000 Genomes Project, or Exome Aggregation Consortium (PM2); Assumed de novo, but no confirmation of paternity and maternity (PM6); Missense variant in a gene that has a low rate of benign missense variation and in which missense variants are a common mechanism of disease (PP2); Multiple lines of computational evidence support a deleterious effect on the gene or gene product (PP3); Located in a mutational hot spot and/or critical and well-established functional domain (located in the ATP binding region) without benign variation (PM1).

Juno Genomics, Hangzhou Juno Genomics, Inc
Classification: Pathogenic for Spastic paraplegia 30B, autosomal recessive; Spastic paraplegia 30A, autosomal dominant; Intellectual disability, autosomal dominant 9; Neuropathy, hereditary sensory, type 2C. Review status: criteria provided, single submitter. Criteria: ACMG Guidelines, 2015. Collection method: clinical testing. Allele origin: germline. Affected: yes.
Comment: Absent from controls (or at extremely low frequency if recessive) in Genome Aggregation Database.;Multiple lines of computational evidence support a deleterious effect on the gene or gene product.;Missense variant in a gene that has a low rate of benign missense variation.;Located in a mutational hot spot and/or critical and well-established functional domain without benign variation.;The prevalence of the variant in affected individuals is significantly increased compared to the prevalence in controls.;Assumed de novo, but without confirmation of paternity and maternity.

Literature cited by the submitters: PubMed 33880452 (cited by Women's Health and Genetics/Laboratory Corporation of America, LabCorp); PubMed 26410750 (cited by 3 submitters); PubMed 29934652 (cited by Women's Health and Genetics/Laboratory Corporation of America, LabCorp).

NM_001244008.2(KIF1A):c.304G>A (p.Gly102Ser)

Gene: KIF1A (kinesin family member 1A; minus strand). Cytogenetic location: 2q37.3.
Variant type: single nucleotide variant.
Coding change: c.304G>A on transcript NM_001244008.2 (MANE Select); coding-DNA position 304, G replaced by A.
Protein change: p.Gly102Ser; replaces glycine 102 with serine.
Molecular consequence: missense variant.
Genome position (GRCh38, 1-based): chr2:240,788,110, C>T on the plus strand (G>A on the coding strand, the complement: KIF1A is on the minus strand). VCF-style: chr2-240788110-C-T. GRCh37 (hg19) VCF-style: chr2-241727527-C-T.
Other names: c.304G>A, p.Gly102Ser (NM_001320705.2, NM_001330289.2, NM_001330290.2 and 20 more transcripts); c.304G>A (NM_001244008.1); short protein forms G102S.
Identifiers: ClinVar variation 422067 (VCV000422067.19), dbSNP rs1064795534, ClinGen allele CA16617512.